The following is an entry in ClinVar:

ClinVar aggregate classification (germline): Uncertain significance (1 of 4 stars; one submission).

Conditions:
Seizures, benign familial infantile, 3 (BFIS3). Also called: Familial neonatal seizures; CONVULSIONS, BENIGN FAMILIAL INFANTILE, 3. Identifiers: Orphanet 140927, Orphanet 306, MedGen C1843140, MONDO:0011904, OMIM 607745.
Developmental and epileptic encephalopathy, 11 (DEE11). Also called: Early infantile epileptic encephalopathy 11. Identifiers: Orphanet 1934, MedGen C3150987, MONDO:0013388, OMIM 613721.

Allele frequency attached by ClinVar (database versions not stated): gnomAD exomes 0.00001 and 0.00002.
gnomAD v4.1: 20 of 1,614,114 alleles (0.0012%); highest among the groups gnomAD compares: East Asian, 0.0022%; no homozygotes.

Submission:

Labcorp Genetics (formerly Invitae), Labcorp
Classification: Uncertain significance for Seizures, benign familial infantile, 3; Developmental and epileptic encephalopathy, 11. Last evaluated: 2025-04-17. Review status: criteria provided, single submitter. Criteria: Invitae Variant Classification Sherloc (09022015). Collection method: clinical testing. Allele origin: germline.
Comment: This sequence change replaces valine, which is neutral and non-polar, with alanine, which is neutral and non-polar, at codon 1087 of the SCN2A protein (p.Val1087Ala). This variant is present in population databases (no rsID available, gnomAD 0.006%). This missense change has been observed in individual(s) with clinical features of SCN2A-related conditions (internal data). ClinVar contains an entry for this variant (Variation ID: 861655). Invitae Evidence Modeling of protein sequence and biophysical properties (such as structural, functional, and spatial information, amino acid conservation, physicochemical variation, residue mobility, and thermodynamic stability) indicates that this missense variant is not expected to disrupt SCN2A protein function with a negative predictive value of 95%. In summary, the available evidence is currently insufficient to determine the role of this variant in disease. Therefore, it has been classified as a Variant of Uncertain Significance.

NM_001040142.2(SCN2A):c.3260T>C (p.Val1087Ala)

Gene: SCN2A (sodium voltage-gated channel alpha subunit 2; plus strand). Cytogenetic location: 2q24.3.
Variant type: single nucleotide variant.
Coding change: c.3260T>C on transcript NM_001040142.2 (MANE Select); coding-DNA position 3260, T replaced by C.
Protein change: p.Val1087Ala; replaces valine 1087 with alanine.
Molecular consequence: missense variant.
Genome position (GRCh38, 1-based): chr2:165,354,532, T>C. VCF-style: chr2-165354532-T-C. GRCh37 (hg19) VCF-style: chr2-166211042-T-C.
Other names: c.3260T>C, p.Val1087Ala (NM_001040143.2, NM_001371246.1, NM_001371247.1 and 1 more transcripts); short protein forms V1087A.
Identifiers: ClinVar variation 861655 (VCV000861655.10), dbSNP rs1457881200, ClinGen allele CA349021567.
Genomic context (GRCh38, chr2:165,354,532, plus strand): 5'-ATCTCAAAGACGGAAATGGAACTACTAGTGGCATAGGCAGCAGTGTAGAAAAATATGTCG[T>C]GGATGAAAGTGATTACATGTCATTTATAAACAACCCTAGCCTCACTGTGACAGTACCAAT-3'
Protein context (NP_001035232.1, residues 1077-1097): GIGSSVEKYV[Val1087Ala]DESDYMSFIN